The following is an entry in ClinVar:

ClinVar aggregate classification (germline): Likely benign. Review status: criteria provided, multiple submitters, no conflicts (2 of 4 stars). 6 submissions from 6 submitters: Likely benign (6). Last evaluated 2025-12-31.

Conditions:
Cardiac arrhythmia. Also called: Arrhythmia; Cardiac rhythm disease. Identifiers: MedGen C0003811, MONDO:0007263, HP:0011675.
KCNQ1-related disorder. Also called: KCNQ1-related disorders; KCNQ1-related condition. Identifiers: MedGen CN239322.
Long QT syndrome (LQTS). Identifiers: MedGen C0023976, MeSH D008133, MONDO:0002442. Disease mechanism: loss of function. Inheritance: Various modes of inheritance.
Cardiovascular phenotype. Identifiers: MedGen CN230736.

Allele frequency attached by ClinVar (database versions not stated): ExAC 0.00001; gnomAD exomes 0.00001 and 0.00002; TOPMed 0.00001.
gnomAD v4.1: 7 of 1,611,998 alleles (0.00043%); highest among the groups gnomAD compares: Admixed American, 0.0083%; no homozygotes.

Submissions (6):

Labcorp Genetics (formerly Invitae), Labcorp
Classification: Likely benign for Long QT syndrome. Last evaluated: 2025-12-31. Review status: criteria provided, single submitter. Criteria: Invitae Variant Classification Sherloc (09022015). Collection method: clinical testing. Allele origin: germline.

PreventionGenetics, part of Exact Sciences
Classification: Likely benign for KCNQ1-related condition. Last evaluated: 2025-05-26. Review status: criteria provided, single submitter. Criteria: ACMG Guidelines, 2015. Collection method: clinical testing. Allele origin: germline.
Comment: This variant is classified as likely benign based on ACMG/AMP sequence variant interpretation guidelines (Richards et al. 2015 PMID: 25741868, with internal and published modifications).

Ambry Genetics
Classification: Likely benign for Cardiovascular phenotype. Last evaluated: 2023-07-19. Review status: criteria provided, single submitter. Criteria: Ambry Variant Classification Scheme 2023. Collection method: clinical testing. Allele origin: germline.

Blueprint Genetics
Classification: Likely benign. Last evaluated: 2022-11-15. Review status: criteria provided, single submitter. Criteria: ACMG Guidelines, 2015. Collection method: clinical testing. Allele origin: germline.

Color Diagnostics, LLC DBA Color Health
Classification: Likely benign for Cardiac arrhythmia. Last evaluated: 2022-11-06. Review status: criteria provided, single submitter. Criteria: ACMG Guidelines, 2015. Collection method: clinical testing. Allele origin: germline.

ARUP Laboratories, Molecular Genetics and Genomics, ARUP Laboratories
Classification: Likely benign. Last evaluated: 2021-04-28. Review status: criteria provided, single submitter. Criteria: ARUP Molecular Germline Variant Investigation Process 2021. Collection method: clinical testing. Allele origin: germline.

NM_000218.3(KCNQ1):c.1386C>T (p.Asp462=)

Gene: KCNQ1 (potassium voltage-gated channel subfamily Q member 1; plus strand). Cytogenetic location: 11p15.5.
Variant type: single nucleotide variant.
Coding change: c.1386C>T on transcript NM_000218.3 (MANE Select); coding-DNA position 1386, C replaced by T.
Protein change: p.Asp462=; no amino-acid change (aspartic acid 462 retained).
Molecular consequence: synonymous variant.
Genome position (GRCh38, 1-based): chr11:2,588,847, C>T. VCF-style: chr11-2588847-C-T. GRCh37 (hg19) VCF-style: chr11-2610077-C-T.
Other names: c.1290C>T, p.Asp430= (NM_001406836.1); c.1116C>T, p.Asp372= (NM_001406837.1); c.846C>T, p.Asp282= (NM_001406838.1); c.1005C>T, p.Asp335= (NM_181798.2).
Identifiers: ClinVar variation 527116 (VCV000527116.20), dbSNP rs749631604, ClinGen allele CA029069.